The following is an entry in ClinVar:

ClinVar aggregate classification (germline): Uncertain significance. Review status: criteria provided, multiple submitters, no conflicts (2 of 4 stars). 2 submissions from 2 submitters: Uncertain significance (2). Last evaluated 2023-02-23.

Conditions:
Elliptocytosis 1 (EL1). Also called: 4.1- TRAIT; 4.1-MINUS TRAIT; PROTEIN 4.1 OF ERYTHROCYTE MEMBRANE, DEFECT OF; ELLIPTOCYTOSIS, RHESUS-LINKED TYPE. Identifiers: Orphanet 288, MedGen C2678497, MONDO:0012731, OMIM 611804.

Submissions (2):

3billion
Classification: Uncertain significance for Elliptocytosis 1. Last evaluated: 2023-02-23. Review status: criteria provided, single submitter. Criteria: ACMG Guidelines, 2015. Collection method: clinical testing. Allele origin: unknown. Affected: yes.
Comment: The variant is not observed in the gnomAD v2.1.1 dataset. In silico tools predict the variant to alter splicing and produce an abnormal transcript (SpliceAI: 0.89). Therefore, this variant is classified as VUS according to the recommendation of ACMG/AMP guideline.

Labcorp Genetics (formerly Invitae), Labcorp
Classification: Uncertain significance. Last evaluated: 2023-01-24. Review status: criteria provided, single submitter. Criteria: Invitae Variant Classification Sherloc (09022015). Collection method: clinical testing. Allele origin: germline.
Comment: In summary, the available evidence is currently insufficient to determine the role of this variant in disease. Therefore, it has been classified as a Variant of Uncertain Significance. Algorithms developed to predict the effect of sequence changes on RNA splicing suggest that this variant may create or strengthen a splice site. Advanced modeling of protein sequence and biophysical properties (such as structural, functional, and spatial information, amino acid conservation, physicochemical variation, residue mobility, and thermodynamic stability) performed at Invitae indicates that this missense variant is not expected to disrupt EPB41 protein function. This variant has not been reported in the literature in individuals affected with EPB41-related conditions. This variant is not present in population databases (gnomAD no frequency). This sequence change replaces alanine, which is neutral and non-polar, with valine, which is neutral and non-polar, at codon 326 of the EPB41 protein (p.Ala326Val).

NM_001376013.1(EPB41):c.1604C>T (p.Ala535Val)

Gene: EPB41 (erythrocyte membrane protein band 4.1; plus strand). Cytogenetic location: 1p35.3.
Variant type: single nucleotide variant.
Coding change: c.1604C>T on transcript NM_001376013.1 (MANE Select); coding-DNA position 1604, C replaced by T.
Protein change: p.Ala535Val; replaces alanine 535 with valine.
Molecular consequence: missense variant.
Genome position (GRCh38, 1-based): chr1:29,039,394, C>T. VCF-style: chr1-29039394-C-T. GRCh37 (hg19) VCF-style: chr1-29365906-C-T.
Other names: c.1604C>T, p.Ala535Val (NM_001166005.2, NM_001166006.2, NM_001376014.1 and 7 more transcripts); c.977C>T, p.Ala326Val (NM_001166007.2, NM_001376022.1, NM_001376023.1 and 7 more transcripts); c.1499C>T, p.Ala500Val (NM_203343.3); short protein forms A326V, A500V, A535V.
Identifiers: ClinVar variation 2444134 (VCV002444134.4), dbSNP rs777766082, ClinGen allele CA339523892.